The following is an entry in ClinVar:

ClinVar aggregate classification (germline): Likely benign. Review status: criteria provided, multiple submitters, no conflicts (2 of 4 stars). 2 submissions from 2 submitters: Likely benign (2). Last evaluated 2025-01-07.

Conditions:
Lynch syndrome 5 (LYNCH5). Also called: Colorectal cancer, hereditary nonpolyposis, type 5; Hereditary non-polyposis colorectal cancer, type 5. Identifiers: Orphanet 144, MedGen C1833477, MONDO:0013710, OMIM 614350. Disease mechanism: loss of function.
Hereditary nonpolyposis colorectal neoplasms. Identifiers: MedGen C0009405, MeSH D003123.

Submissions (2):

Myriad Genetics, Inc.
Classification: Likely benign for Lynch syndrome 5. Last evaluated: 2025-01-07. Review status: criteria provided, single submitter. Criteria: Myriad Autosomal Dominant, Autosomal Recessive and X-Linked Classification Criteria (2023). Collection method: clinical testing. Allele origin: unknown.
Comment: This variant is considered likely benign. This variant is intronic and is not expected to impact mRNA splicing.

Labcorp Genetics (formerly Invitae), Labcorp
Classification: Likely benign for Hereditary nonpolyposis colorectal neoplasms. Last evaluated: 2024-04-25. Review status: criteria provided, single submitter. Criteria: Invitae Variant Classification Sherloc (09022015). Collection method: clinical testing. Allele origin: germline.

NM_000179.3(MSH6):c.3556+7T>G

Gene: MSH6 (mutS homolog 6; plus strand). Cytogenetic location: 2p16.3.
Variant type: single nucleotide variant.
Coding change: c.3556+7T>G on transcript NM_000179.3 (MANE Select); 7 bases into the intron after coding-DNA position 3556, T replaced by G.
Molecular consequence: intron variant.
Genome position (GRCh38, 1-based): chr2:47,805,034, T>G. VCF-style: chr2-47805034-T-G. GRCh37 (hg19) VCF-style: chr2-48032173-T-G.
Other names: c.2650+7T>G (NM_001281493.2, NM_001281494.2); c.3166+7T>G (NM_001281492.2).
Identifiers: ClinVar variation 1095454 (VCV001095454.10), dbSNP rs2104510641, ClinGen allele CA2499216134.